The following is an entry in ClinVar:

ClinVar aggregate classification (germline): Pathogenic (1 of 4 stars; one submission).

Conditions:
Polycystic kidney disease 2 (PKD2). Also called: POLYCYSTIC KIDNEY DISEASE, ADULT, TYPE II; Polycystic Kidney Disease 2, Autosomal Dominant; POLYCYSTIC KIDNEY DISEASE 2 WITH OR WITHOUT POLYCYSTIC LIVER DISEASE. Identifiers: MedGen C2751306, MONDO:0013131, OMIM 613095.

Submission:

Juno Genomics, Hangzhou Juno Genomics, Inc
Classification: Pathogenic for Polycystic kidney disease 2. Review status: criteria provided, single submitter. Criteria: ACMG Guidelines, 2015. Collection method: clinical testing. Allele origin: germline. Affected: yes.
Comment: Absent from controls (or at extremely low frequency if recessive) in Genome Aggregation Database, Exome Sequencing Project, 1000 Genomes Project, or Exome Aggregation Consortium.;Null variant in a gene where loss of function (LOF) is a known mechanism of disease.;Patient's phenotype or family history is highly specific for a disease with a single genetic etiology.

NM_000297.4(PKD2):c.991del (p.Cys331fs)

Gene: PKD2 (polycystin 2, transient receptor potential cation channel; plus strand). Cytogenetic location: 4q22.1.
Variant type: Deletion.
Coding change: c.991del on transcript NM_000297.4 (MANE Select); coding-DNA position 991, one base deleted (T; older notation c.991delT).
Protein change: p.Cys331fs; shifts the reading frame from cysteine 331.
Molecular consequence: frameshift variant. On other transcripts: non-coding transcript variant (1).
Genome position (GRCh38, 1-based): chr4:88,038,398, T deleted. VCF-style (leftmost placement, unchanged base first): chr4-88038397-CT-C. GRCh37 (hg19) VCF-style: chr4-88959549-CT-C.
Other names: short protein forms C331fs.
Identifiers: ClinVar variation 3382139 (VCV003382139.2).